The following is an entry in ClinVar:

ClinVar aggregate classification (germline): Uncertain significance (1 of 4 stars; one submission).

Conditions:
Hereditary cancer-predisposing syndrome. Also called: Neoplastic Syndromes, Hereditary; Tumor predisposition; Hereditary Cancer Syndrome; Hereditary neoplastic syndrome. Identifiers: Orphanet 140162, MedGen C0027672, MeSH D009386, MONDO:0015356.

Submission:

Ambry Genetics
Classification: Uncertain significance for Hereditary cancer-predisposing syndrome. Last evaluated: 2026-03-30. Review status: criteria provided, single submitter. Criteria: Ambry Variant Classification Scheme 2023. Collection method: clinical testing. Allele origin: germline.
Comment: The p.N81H variant (also known as c.241A>C), located in coding exon 2 of the MITF gene, results from an A to C substitution at nucleotide position 241. The asparagine at codon 81 is replaced by histidine, an amino acid with similar properties. This amino acid position is conserved. In addition, this alteration is predicted to be tolerated by in silico analysis. Based on the available evidence, the clinical significance of this variant remains unclear.

NM_001354604.2(MITF):c.562A>C (p.Asn188His)

Gene: MITF (melanocyte inducing transcription factor; plus strand). Cytogenetic location: 3p13.
Variant type: single nucleotide variant.
Coding change: c.562A>C on transcript NM_001354604.2 (MANE Select); coding-DNA position 562, A replaced by C.
Protein change: p.Asn188His; replaces asparagine 188 with histidine.
Molecular consequence: missense variant. On other transcripts: intron variant (1).
Genome position (GRCh38, 1-based): chr3:69,938,029, A>C. VCF-style: chr3-69938029-A-C. GRCh37 (hg19) VCF-style: chr3-69987180-A-C.
Other names: c.241A>C, p.Asn81His (NM_000248.4, NM_001184968.2, NM_198158.3); c.406A>C, p.Asn136His (NM_001184967.2, NM_001354608.2); c.559A>C, p.Asn187His (NM_001354605.2, NM_001354606.2, NM_006722.3); c.511A>C, p.Asn171His (NM_001354607.2); c.562A>C, p.Asn188His (NM_198159.3); c.514A>C, p.Asn172His (NM_198177.3); c.93+148A>C (NM_198178.3); short protein forms N136H, N171H, N172H, N187H, N188H, N81H.
Identifiers: ClinVar variation 4860052 (VCV004860052.1).